The following is an entry in ClinVar:

NM_019098.5(CNGB3):c.1368C>T (p.Arg456=)

Gene: CNGB3 (cyclic nucleotide gated channel subunit beta 3; minus strand). Cytogenetic location: 8q21.3.
Variant type: single nucleotide variant.
Coding change: c.1368C>T on transcript NM_019098.5 (MANE Select); coding-DNA position 1368, C replaced by T.
Protein change: p.Arg456=; no amino-acid change (arginine 456 retained).
Molecular consequence: synonymous variant.
Genome position (GRCh38, 1-based): chr8:86,629,031, G>A on the plus strand (C>T on the coding strand, the complement: CNGB3 is on the minus strand). VCF-style: chr8-86629031-G-A. GRCh37 (hg19) VCF-style: chr8-87641259-G-A.
Identifiers: ClinVar variation 749496 (VCV000749496.42), dbSNP rs141934736, ClinGen allele CA4800041.

ClinVar aggregate classification (germline): Conflicting classifications of pathogenicity. Review status: criteria provided, conflicting classifications (1 of 4 stars). 7 submissions from 6 submitters: Uncertain significance (2); Benign (2); Likely benign (2). 1 of the submissions does not count toward it. Last evaluated 2026-01-14.

Conditions:
Achromatopsia. Also called: Rod monochromatism. Identifiers: Orphanet 49382, MedGen C0152200, MONDO:0018852, HP:0011516.
Achromatopsia 3 (ACHM3). Also called: ACHROMATOPSIA WITH MYOPIA; ROD MONOCHROMACY 1; ROD MONOCHROMATISM 1; PINGELAPESE BLINDNESS; TOTAL COLORBLINDNESS WITH MYOPIA. Identifiers: Orphanet 49382, MedGen C1849792, MONDO:0009875, OMIM 262300.
Severe early-childhood-onset retinal dystrophy (STGD1). Also called: MACULAR DYSTROPHY WITH FLECKS, TYPE 1; STGD; Stargardt macular dystrophy; Juvenile onset macular degeneration; Stargardt disease 1. Identifiers: Orphanet 364055, Orphanet 827, MedGen C1855465, MeSH D000080362, MONDO:0009549, OMIM 248200.

Allele frequency attached by ClinVar (database versions not stated): ExAC 0.00068; TOPMed 0.00019; gnomAD exomes 0.00030 and 0.00055; 1000 Genomes Project 30x 0.00047; ESP Exome Variant Server 0.00054; gnomAD 0.00054; 1000 Genomes Project 0.00060.
gnomAD v4.1: 532 of 1,614,010 alleles (0.033%); highest among the groups gnomAD compares: Non-Finnish European, 0.024%; no homozygotes.

Submissions (7):

Labcorp Genetics (formerly Invitae), Labcorp
Classification: Benign. Last evaluated: 2026-01-14. Review status: criteria provided, single submitter. Criteria: Invitae Variant Classification Sherloc (09022015). Collection method: clinical testing. Allele origin: germline.

Laboratory of Genetics, Children's Clinical University Hospital Latvia
Classification: Benign. Last evaluated: 2025-02-16. Review status: criteria provided, single submitter. Criteria: ACMG Guidelines, 2015. Collection method: clinical testing. Allele origin: germline. Affected: yes.

Blueprint Genetics
Classification: Likely benign. Last evaluated: 2024-11-21. Review status: criteria provided, single submitter. Criteria: ACMG Guidelines, 2015. Collection method: clinical testing. Allele origin: germline.

CeGaT Center for Human Genetics Tuebingen
Classification: Likely benign. Last evaluated: 2023-07-01. Review status: criteria provided, single submitter. Criteria: CeGaT Center For Human Genetics Tuebingen Variant Classification Criteria Version 2. Collection method: clinical testing. Allele origin: germline. Affected: yes. Observed: 1 variant allele.
Comment: CNGB3: BP4, BP7

Illumina Laboratory Services, Illumina
Classification: Uncertain significance for Achromatopsia 3. Last evaluated: 2018-01-12. Review status: criteria provided, single submitter. Criteria: ICSL Variant Classification Criteria 13 December 2019. Collection method: clinical testing. Allele origin: germline.

Illumina Laboratory Services, Illumina
Classification: Uncertain significance for Severe early-childhood-onset retinal dystrophy. Last evaluated: 2018-01-12. Review status: criteria provided, single submitter. Criteria: ICSL Variant Classification Criteria 13 December 2019. Collection method: clinical testing. Allele origin: germline.

Natera, Inc.
Classification: Likely benign for Achromatopsia. Last evaluated: 2020-04-14. Review status: no assertion criteria provided. Collection method: clinical testing. Allele origin: germline. Not counted in ClinVar's aggregate classification.